The following is an entry in ClinVar:

ClinVar aggregate classification (germline): Uncertain significance (1 of 4 stars; one submission).

Conditions:
Baller-Gerold syndrome (BGS). Also called: CRANIOSYNOSTOSIS WITH RADIAL DEFECTS. Identifiers: Orphanet 1225, MedGen C0265308, MONDO:0009039, OMIM 218600.

gnomAD v4.1: 2 of 1,566,660 alleles (0.00013%); highest among the groups gnomAD compares: East Asian, 0.0024%; no homozygotes.

Submission:

Labcorp Genetics (formerly Invitae), Labcorp
Classification: Uncertain significance for Baller-Gerold syndrome. Last evaluated: 2022-09-15. Review status: criteria provided, single submitter. Criteria: Invitae Variant Classification Sherloc (09022015). Collection method: clinical testing. Allele origin: germline.
Comment: This sequence change replaces glycine, which is neutral and non-polar, with arginine, which is basic and polar, at codon 666 of the RECQL4 protein (p.Gly666Arg). This variant is not present in population databases (gnomAD no frequency). This variant has not been reported in the literature in individuals affected with RECQL4-related conditions. Experimental studies and prediction algorithms are not available or were not evaluated, and the functional significance of this variant is currently unknown. In summary, the available evidence is currently insufficient to determine the role of this variant in disease. Therefore, it has been classified as a Variant of Uncertain Significance.

NM_004260.4(RECQL4):c.1996G>C (p.Gly666Arg)

Gene: RECQL4 (RecQ like helicase 4; minus strand). Cytogenetic location: 8q24.3.
Variant type: single nucleotide variant.
Coding change: c.1996G>C on transcript NM_004260.4 (MANE Select); coding-DNA position 1996, G replaced by C.
Protein change: p.Gly666Arg; replaces glycine 666 with arginine.
Molecular consequence: missense variant.
Genome position (GRCh38, 1-based): chr8:144,513,990, C>G on the plus strand (G>C on the coding strand, the complement: RECQL4 is on the minus strand). VCF-style: chr8-144513990-C-G. GRCh37 (hg19) VCF-style: chr8-145739374-C-G.
Other names: c.1900G>C, p.Gly634Arg (NM_001413017.1, NM_001413020.1); c.1996G>C, p.Gly666Arg (NM_001413018.1, NM_001413019.1, NM_001413036.1); c.925G>C, p.Gly309Arg (NM_001413021.1, NM_001413022.1, NM_001413023.1 and 6 more transcripts); c.1867G>C, p.Gly623Arg (NM_001413025.1); c.859G>C, p.Gly287Arg (NM_001413027.1, NM_001413030.1, NM_001413032.1 and 1 more transcripts); c.1645G>C, p.Gly549Arg (NM_001413029.1); c.727G>C, p.Gly243Arg (NM_001413031.1); c.1864G>C, p.Gly622Arg (NM_001413033.1); and 4 more; short protein forms G243R, G265R, G287R, G299R, G309R, G622R, G549R, G666R.
Identifiers: ClinVar variation 1984114 (VCV001984114.4), dbSNP rs776218553, ClinGen allele CA372680340.
Genomic context (GRCh38, chr8:144,513,990, plus strand): 5'-GGTCTGTGTCCCTGTCCATGGACACGGAAAGGTGCAGGTTGGTGGGAACTGGGGCTGGCC[C>G]GTGGAGGTCAGGCTCTTCAGCCACAGCCAGGTGCTGTGCCACGTCACTGGCAGTGCGGCG-3'
Protein context (NP_004251.4, residues 656-676): LAVAEEPDLH[Gly666Arg]PAPVPTNLHL